The following is an entry in ClinVar:

ClinVar aggregate classification (germline): Uncertain significance. Review status: criteria provided, multiple submitters, no conflicts (2 of 4 stars). 2 submissions from 2 submitters: Uncertain significance (2). Last evaluated 2024-08-15.

Conditions:
Hereditary cancer-predisposing syndrome. Also called: Neoplastic Syndromes, Hereditary; Hereditary neoplastic syndrome; Tumor predisposition; Hereditary Cancer Syndrome. Identifiers: Orphanet 140162, MedGen C0027672, MeSH D009386, MONDO:0015356.
POLD1-related polyposis and colorectal cancer syndrome (CRCS10). Also called: Colorectal cancer 10; COLORECTAL CANCER, SUSCEPTIBILITY TO, ON CHROMOSOME 19q; Colorectal cancer, susceptibility to, 10. Identifiers: Orphanet 220460, MedGen C2675481, MONDO:0012953, OMIM 612591.

gnomAD v4.1: 1 of 1,589,668 alleles (0.000063%); no homozygotes.

Submissions (2):

Labcorp Genetics (formerly Invitae), Labcorp
Classification: Uncertain significance for POLD1-related polyposis and colorectal cancer syndrome. Last evaluated: 2024-08-15. Review status: criteria provided, single submitter. Criteria: Invitae Variant Classification Sherloc (09022015). Collection method: clinical testing. Allele origin: germline.
Comment: This sequence change replaces arginine, which is basic and polar, with leucine, which is neutral and non-polar, at codon 322 of the POLD1 protein (p.Arg322Leu). This variant is not present in population databases (gnomAD no frequency). This variant has not been reported in the literature in individuals affected with POLD1-related conditions. ClinVar contains an entry for this variant (Variation ID: 469399). Invitae Evidence Modeling of protein sequence and biophysical properties (such as structural, functional, and spatial information, amino acid conservation, physicochemical variation, residue mobility, and thermodynamic stability) indicates that this missense variant is not expected to disrupt POLD1 protein function with a negative predictive value of 80%. In summary, the available evidence is currently insufficient to determine the role of this variant in disease. Therefore, it has been classified as a Variant of Uncertain Significance.

Ambry Genetics
Classification: Uncertain significance for Hereditary cancer-predisposing syndrome. Last evaluated: 2021-07-28. Review status: criteria provided, single submitter. Criteria: Ambry Variant Classification Scheme 2023. Collection method: clinical testing. Allele origin: germline.
Comment: The p.R322L variant (also known as c.965G>T), located in coding exon 7 of the POLD1 gene, results from a G to T substitution at nucleotide position 965. The arginine at codon 322 is replaced by leucine, an amino acid with dissimilar properties. This amino acid position is conserved. In addition, the in silico prediction for this alteration is inconclusive. Since supporting evidence is limited at this time, the clinical significance of this alteration remains unclear.

NM_002691.4(POLD1):c.965G>T (p.Arg322Leu)

Gene: POLD1 (DNA polymerase delta 1, catalytic subunit; plus strand). Cytogenetic location: 19q13.33.
Variant type: single nucleotide variant.
Coding change: c.965G>T on transcript NM_002691.4 (MANE Select); coding-DNA position 965, G replaced by T.
Protein change: p.Arg322Leu; replaces arginine 322 with leucine.
Molecular consequence: missense variant. On other transcripts: non-coding transcript variant (1).
Genome position (GRCh38, 1-based): chr19:50,402,736, G>T. VCF-style: chr19-50402736-G-T. GRCh37 (hg19) VCF-style: chr19-50905993-G-T.
Other names: c.965G>T, p.Arg322Leu (NM_001256849.1, NM_001308632.1); short protein forms R322L.
Identifiers: ClinVar variation 469399 (VCV000469399.11), dbSNP rs980303681, ClinGen allele CA406977463.